The following is an entry in ClinVar:

ClinVar aggregate classification (germline): Pathogenic (1 of 4 stars; one submission).

Conditions:
Arrhythmogenic right ventricular dysplasia 8 (ARVD8). Also called: Arrhythmogenic Right Ventricular Dysplasia/Cardiomyopathy 8; ARRHYTHMOGENIC RIGHT VENTRICULAR DYSPLASIA, FAMILIAL, 8; ARRHYTHMOGENIC RIGHT VENTRICULAR CARDIOMYOPATHY 8. Identifiers: MedGen C1843896, MONDO:0011831, OMIM 607450.
Arrhythmogenic cardiomyopathy with wooly hair and keratoderma. Also called: Carvajal syndrome; PALMOPLANTAR KERATODERMA WITH LEFT VENTRICULAR CARDIOMYOPATHY AND WOOLLY HAIR; Dilated cardiomyopathy with woolly hair and keratoderma; Arrhythmogenic cardiomyopathy with woolly hair and keratoderma. Identifiers: Orphanet 65282, MedGen C1854063, MONDO:0011581, OMIM 605676.

Submission:

Labcorp Genetics (formerly Invitae), Labcorp
Classification: Pathogenic for Arrhythmogenic cardiomyopathy with wooly hair and keratoderma; Arrhythmogenic right ventricular dysplasia 8. Last evaluated: 2019-07-22. Review status: criteria provided, single submitter. Criteria: Invitae Variant Classification Sherloc (09022015). Collection method: clinical testing. Allele origin: germline.
Comment: For these reasons, this variant has been classified as Pathogenic. Loss-of-function variants in DSP are known to be pathogenic (PMID: 20716751, 24503780, 25227139). This variant has not been reported in the literature in individuals with DSP-related conditions. This variant is not present in population databases (ExAC no frequency). This sequence change creates a premature translational stop signal (p.Ala164Glufs*23) in the DSP gene. It is expected to result in an absent or disrupted protein product.

Literature cited by the submitters: PubMed 20716751; PubMed 24503780; PubMed 25227139.

NM_004415.4(DSP):c.490_491insAGCTCGAGTCCCT (p.Ala164fs)

Gene: DSP (desmoplakin; plus strand). Cytogenetic location: 6p24.3.
Variant type: Insertion.
Coding change: c.490_491insAGCTCGAGTCCCT on transcript NM_004415.4 (MANE Select); coding-DNA positions 490 to 491, AGCTCGAGTCCCT inserted.
Protein change: p.Ala164fs; shifts the reading frame from alanine 164.
Molecular consequence: frameshift variant.
Genome position: GRCh38 VCF-style: chr6-7559293-G-GAGCTCGAGTCCCT. GRCh37 (hg19) VCF-style: chr6-7559526-G-GAGCTCGAGTCCCT.
Other names: c.490_491insAGCTCGAGTCCCT, p.Ala164fs (NM_001008844.3, NM_001319034.2); short protein forms A164fs.
Identifiers: ClinVar variation 942288 (VCV000942288.8), dbSNP rs1758603690, ClinGen allele CA1139659438.